The following is an entry in ClinVar:

ClinVar aggregate classification (germline): Uncertain significance (1 of 4 stars; one submission).

Conditions:
Malignant hyperthermia, susceptibility to, 1 (MHS1). Also called: Anesthesia related hyperthermia; Malignant hyperpyrexia; Fulminating hyperpyrexia; Pharmacogenic myopathy; RYR1-Related Malignant Hyperthermia Susceptibility; Malignant hyperthermia suceptibility 1. Identifiers: Orphanet 423, MedGen C2930980, MONDO:0007783, OMIM 145600.

Allele frequency attached by ClinVar (database versions not stated): gnomAD exomes below 0.00001.
gnomAD v4.1: 2 of 1,613,984 alleles (0.00012%); highest among the groups gnomAD compares: Admixed American, 0.0017%; no homozygotes.

Submission:

All of Us Research Program, National Institutes of Health
Classification: Uncertain significance for Malignant hyperthermia, susceptibility to, 1. Last evaluated: 2023-12-13. Review status: criteria provided, single submitter. Criteria: ACMG Guidelines, 2015. Collection method: clinical testing. Allele origin: germline. Inheritance: Autosomal dominant inheritance. Observed: 1 variant allele, 1 heterozygote.
Comment: This missense variant replaces glutamic acid with lysine at codon 4626 of the RYR1 protein. Computational prediction is inconclusive regarding the impact of this variant on protein structure and function (internally defined REVEL score threshold 0.5 < inconclusive < 0.7, PMID: 27666373). To our knowledge, functional studies have not been reported for this variant. This variant has not been reported in individuals affected with RYR1-related disorders in the literature. This variant has been identified in 1/251472 chromosomes in the general population by the Genome Aggregation Database (gnomAD). The available evidence is insufficient to determine the role of this variant in disease conclusively. Therefore, this variant is classified as a Variant of Uncertain Significance.

This study involves interpretation of variants in research participants for the purpose of population health screening. Participant phenotype was not available at the time of variant classification. Additional details can be found in publication PMID: 35346344, PMCID: PMC8962531

NM_000540.3(RYR1):c.13876G>A (p.Glu4626Lys)

Gene: RYR1 (ryanodine receptor 1; plus strand). Cytogenetic location: 19q13.2.
Variant type: single nucleotide variant.
Coding change: c.13876G>A on transcript NM_000540.3 (MANE Select); coding-DNA position 13876, G replaced by A.
Protein change: p.Glu4626Lys; replaces glutamic acid 4626 with lysine.
Molecular consequence: missense variant.
Genome position (GRCh38, 1-based): chr19:38,572,148, G>A. VCF-style: chr19-38572148-G-A. GRCh37 (hg19) VCF-style: chr19-39062788-G-A.
Other names: c.13861G>A, p.Glu4621Lys (NM_001042723.2); short protein forms E4621K, E4626K.
Identifiers: ClinVar variation 3074884 (VCV003074884.1), dbSNP rs1427346219, ClinGen allele CA405680772.
Genomic context (GRCh38, chr19:38,572,148, plus strand): 5'-TCTGGTGGCAGCTCTGGCTGGGGCTTGGGGGCCGGAGAGGAGGCAGAGGGCGATGAGGAT[G>A]AGAACATGGTGTACTACTTCCTGGAGGAAAGCACAGGCTACATGGAACCCGCCCTGCGGT-3'
Protein context (NP_000531.2, residues 4616-4636): AGEEAEGDED[Glu4626Lys]NMVYYFLEES